The following is an entry in ClinVar:

NM_005591.4(MRE11):c.1034A>C (p.Glu345Ala)

Gene: MRE11 (MRE11 double strand break repair nuclease; minus strand). Cytogenetic location: 11q21.
Variant type: single nucleotide variant.
Coding change: c.1034A>C on transcript NM_005591.4 (MANE Select); coding-DNA position 1034, A replaced by C.
Protein change: p.Glu345Ala; replaces glutamic acid 345 with alanine.
Molecular consequence: missense variant.
Genome position (GRCh38, 1-based): chr11:94,467,877, T>G on the plus strand (A>C on the coding strand, the complement: MRE11 is on the minus strand). VCF-style: chr11-94467877-T-G. GRCh37 (hg19) VCF-style: chr11-94201043-T-G.
Other names: c.1034A>C, p.Glu345Ala (NM_001330347.2, NM_005590.4); short protein forms E345A.
Identifiers: ClinVar variation 3397887 (VCV003397887.1).
Genomic context (GRCh38, chr11:94,467,877, plus strand): 5'-AGTCGTACAAGAGGCTTCTCTGGCTGGTGAGAATTACCCAGACGTTCCCGTTCAGCATTT[T>G]CAAGCATTTCTTCAATCTCAAAATTTTTAAAAAGATTAAAAAACAACGTAGTAAACTGAG-3'
Protein context (NP_005582.1, residues 335-355): FCLEKIEEML[Glu345Ala]NAERERLGNS

ClinVar aggregate classification (germline): Uncertain significance (1 of 4 stars; one submission).

Conditions:
Hereditary cancer-predisposing syndrome. Also called: Hereditary Cancer Syndrome; Tumor predisposition; Hereditary neoplastic syndrome; Neoplastic Syndromes, Hereditary. Identifiers: Orphanet 140162, MedGen C0027672, MeSH D009386, MONDO:0015356.

gnomAD v4.1: 2 of 1,613,552 alleles (0.00012%); highest among the groups gnomAD compares: Non-Finnish European, 0.00017%; no homozygotes.

Submission:

Ambry Genetics
Classification: Uncertain significance for Hereditary cancer-predisposing syndrome. Last evaluated: 2024-11-16. Review status: criteria provided, single submitter. Criteria: Ambry Variant Classification Scheme 2023. Collection method: clinical testing. Allele origin: germline.
Comment: The p.E345A variant (also known as c.1034A>C), located in coding exon 9 of the MRE11A gene, results from an A to C substitution at nucleotide position 1034. The glutamic acid at codon 345 is replaced by alanine, an amino acid with dissimilar properties. This amino acid position is conserved. In addition, this alteration is predicted to be tolerated by in silico analysis. Based on the available evidence, the clinical significance of this variant remains unclear.